The following is an entry in ClinVar:

ClinVar aggregate classification (germline): Uncertain significance (1 of 4 stars; one submission).

Conditions:
Hereditary cancer-predisposing syndrome. Also called: Hereditary Cancer Syndrome; Hereditary neoplastic syndrome; Tumor predisposition; Neoplastic Syndromes, Hereditary. Identifiers: Orphanet 140162, MedGen C0027672, MeSH D009386, MONDO:0015356.
Cardiovascular phenotype. Identifiers: MedGen CN230736.

Submission:

Ambry Genetics
Classification: Uncertain significance for Cardiovascular phenotype; Hereditary cancer-predisposing syndrome. Last evaluated: 2024-08-12. Review status: criteria provided, single submitter. Criteria: Ambry Variant Classification Scheme 2023. Collection method: clinical testing. Allele origin: germline.
Comment: The p.Y314S variant (also known as c.941A>C), located in coding exon 9 of the LZTR1 gene, results from an A to C substitution at nucleotide position 941. The tyrosine at codon 314 is replaced by serine, an amino acid with dissimilar properties. This amino acid position is conserved. In addition, this alteration is predicted to be deleterious by in silico analysis. Based on the available evidence, the clinical significance of this variant remains unclear.

NM_006767.4(LZTR1):c.941A>C (p.Tyr314Ser)

Gene: LZTR1 (leucine zipper like post translational regulator 1; plus strand). Cytogenetic location: 22q11.21.
Variant type: single nucleotide variant.
Coding change: c.941A>C on transcript NM_006767.4 (MANE Select); coding-DNA position 941, A replaced by C.
Protein change: p.Tyr314Ser; replaces tyrosine 314 with serine.
Molecular consequence: missense variant.
Genome position (GRCh38, 1-based): chr22:20,991,777, A>C. VCF-style: chr22-20991777-A-C. GRCh37 (hg19) VCF-style: chr22-21346066-A-C.
Other names: short protein forms Y314S.
Identifiers: ClinVar variation 3541603 (VCV003541603.1).